The following is an entry in ClinVar:

ClinVar aggregate classification (germline): Uncertain significance (1 of 4 stars; one submission).

Conditions:
Hereditary cancer-predisposing syndrome. Also called: Neoplastic Syndromes, Hereditary; Tumor predisposition; Hereditary Cancer Syndrome; Hereditary neoplastic syndrome. Identifiers: Orphanet 140162, MedGen C0027672, MeSH D009386, MONDO:0015356.

gnomAD v4.1: 1 of 1,534,256 alleles (0.000065%); highest among the groups gnomAD compares: Non-Finnish European, 0.000088%; no homozygotes.

Submission:

Ambry Genetics
Classification: Uncertain significance for Hereditary cancer-predisposing syndrome. Last evaluated: 2023-10-13. Review status: criteria provided, single submitter. Criteria: Ambry Variant Classification Scheme 2023. Collection method: clinical testing. Allele origin: germline.
Comment: The c.-3A>T variant is located in the 5' untranslated region (5&rsquo; UTR) of the FH gene. This variant results from an A to T substitution 3 bases upstream from the first translated codon. This nucleotide position is not well conserved in available vertebrate species. Since supporting evidence is limited at this time, the clinical significance of this alteration remains unclear.

NM_000143.4(FH):c.-3A>T

Gene: FH (fumarate hydratase; minus strand). Cytogenetic location: 1q43.
Variant type: single nucleotide variant.
Coding change: c.-3A>T on transcript NM_000143.4 (MANE Select); 3 bases upstream of the start codon, A replaced by T.
Molecular consequence: 5 prime UTR variant.
Genome position (GRCh38, 1-based): chr1:241,519,725, T>A on the plus strand (A>T on the coding strand, the complement: FH is on the minus strand). VCF-style: chr1-241519725-T-A. GRCh37 (hg19) VCF-style: chr1-241683025-T-A.
Identifiers: ClinVar variation 1736893 (VCV001736893.2), dbSNP rs202145941, ClinGen allele CA2580063567.
Genomic context (GRCh38, chr1:241,519,725, plus strand): 5'-CGGCTGGAGCCCGCACGAGGGGACGCGAGCGCGCGAGGAGCCGAAGTGCTCGGTACATGG[T>A]GCTGAGGGAGCTTGGGTAGAATTTCTGGGCGGCTGTGGCCACGCCTCCACGCCGGTTGTC-3'